The following is an entry in ClinVar:

ClinVar aggregate classification (germline): Uncertain significance (1 of 4 stars; one submission).

Conditions:
Familial cancer of breast. Also called: BREAST CANCER, FAMILIAL; hereditary breast carcinoma; Hereditary breast cancer. Identifiers: Orphanet 227535, MedGen C0346153, MONDO:0016419, OMIM 114480. Disease mechanism: loss of function.

Submission:

Labcorp Genetics (formerly Invitae), Labcorp
Classification: Uncertain significance for Familial cancer of breast. Last evaluated: 2025-09-30. Review status: criteria provided, single submitter. Criteria: Invitae Variant Classification Sherloc (09022015). Collection method: clinical testing. Allele origin: germline.
Comment: This sequence change falls in intron 3 of the CHEK2 gene. It does not directly change the encoded amino acid sequence of the CHEK2 protein. This variant is not present in population databases (gnomAD no frequency). This variant has not been reported in the literature in individuals affected with CHEK2-related conditions. Algorithms developed to predict the effect of sequence changes on RNA splicing suggest that this variant may disrupt the consensus splice site. In summary, the available evidence is currently insufficient to determine the role of this variant in disease. Therefore, it has been classified as a Variant of Uncertain Significance.

NM_007194.4(CHEK2):c.445-6_445-2del

Gene: CHEK2 (checkpoint kinase 2; minus strand). Cytogenetic location: 22q12.1.
Variant type: Deletion.
Coding change: c.445-6_445-2del on transcript NM_007194.4 (MANE Select); 6 bases into the intron before coding-DNA position 445 through the canonical splice acceptor site of the intron before coding-DNA position 445, 5 bases deleted (TTTTA; older notation c.445-6_445-2delTTTTA).
Molecular consequence: splice acceptor variant. On other transcripts: intron variant (1).
Genome position (GRCh38, 1-based): chr22:28,725,126-28,725,130, TAAAA deleted on the plus strand (TTTTA on the coding strand, the reverse complement: CHEK2 is on the minus strand); deleting any 5 consecutive bases within chr22:28,725,126-28,725,132 gives the same sequence; the c. name uses the placement nearest the transcript's 3' end. VCF-style (leftmost placement, unchanged base first): chr22-28725125-CTAAAA-C. GRCh37 (hg19) VCF-style: chr22-29121113-CTAAAA-C.
Other names: c.-219-6_-219-2del (NM_001437942.1); c.444+113_444+117del (NM_001349956.3); c.445-6_445-2del (NM_145862.3); c.-333-6_-333-2del (NM_001257387.3); c.538-6_538-2del (NM_001438295.1, NM_001438293.1); c.574-6_574-2del (NM_001438294.1, NM_001005735.3).
Identifiers: ClinVar variation 4698349 (VCV004698349.1).